The following is an entry in ClinVar:

NM_007294.4(BRCA1):c.4186-1G>A

Gene: BRCA1 (BRCA1 DNA repair associated; minus strand). Cytogenetic location: 17q21.31.
Variant type: single nucleotide variant.
Coding change: c.4186-1G>A on transcript NM_007294.4 (MANE Select); the canonical splice acceptor site of the intron before coding-DNA position 4186, G replaced by A.
Molecular consequence: splice acceptor variant. On other transcripts: intron variant (84).
Genome position (GRCh38, 1-based): chr17:43,082,576, C>T on the plus strand (G>A on the coding strand, the complement: BRCA1 is on the minus strand). VCF-style: chr17-43082576-C-T. GRCh37 (hg19) VCF-style: chr17-41234593-C-T.
Other names: c.736-1G>A (NM_001408458.1, NM_001408453.1, NM_001408461.1 and 8 more transcripts); c.3298-1G>A (NM_001407967.1, NM_001407966.1); c.3805-1G>A (NM_001407959.1, NM_001407960.1); c.3919-1G>A (NM_001407931.1, NM_001407932.1, NM_001407936.1 and 1 more transcripts); c.4042-1G>A (NM_001407747.1, NM_001407839.1, NM_001407745.1 and 17 more transcripts); c.3802-1G>A (NM_001407962.1); c.373-1G>A (NM_001408512.1); c.496-1G>A (NM_001408510.1); and 64 more.
Identifiers: ClinVar variation 55134 (VCV000055134.12), dbSNP rs397509150, ClinGen allele CA002696.

ClinVar aggregate classification (germline): Uncertain significance. Review status: criteria provided, single submitter (1 of 4 stars). 2 submissions from 2 submitters: Uncertain significance (1). 1 of the submissions does not count toward it. Last evaluated 2019-05-07.

Conditions:
Familial cancer of breast. Also called: BREAST CANCER, FAMILIAL; Hereditary breast cancer; hereditary breast carcinoma. Identifiers: Orphanet 227535, MedGen C0346153, MONDO:0016419, OMIM 114480. Disease mechanism: loss of function.
Hereditary breast ovarian cancer syndrome. Also called: Breast and ovarian cancer; Hereditary breast and ovarian cancer syndrome (HBOC); Hereditary breast and ovarian cancer syndrome; Hereditary breast and/or ovarian cancer syndrome; Hereditary breast and ovarian cancer; BRCA1- and BRCA2-Associated Hereditary Breast and Ovarian Cancer. Identifiers: Orphanet 145, MedGen C0677776, MeSH D061325, MONDO:0003582. Disease mechanism: loss of function.

Allele frequency attached by ClinVar (database versions not stated): gnomAD exomes below 0.00001.
gnomAD v4.1: 1 of 1,614,056 alleles (0.000062%); highest among the groups gnomAD compares: Non-Finnish European, 0.000085%; no homozygotes.

Submissions (2):

Labcorp Genetics (formerly Invitae), Labcorp
Classification: Uncertain significance for Hereditary breast ovarian cancer syndrome. Last evaluated: 2019-05-07. Review status: criteria provided, single submitter. Criteria: Invitae Variant Classification Sherloc (09022015). Collection method: clinical testing. Allele origin: germline.
Comment: Donor and acceptor splice site variants typically lead to a loss of protein function (PMID: 16199547), and loss-of-function variants in BRCA1 are known to be pathogenic (PMID: 20104584). Experimental studies have shown that variants at this splice site disrupt the consensus splice site and strengthen a cryptic acceptor site in exon 12 (also known as exon 13 in the literature), located 3 nucleotides downstream of the natural splice site. This results in an in-frame deletion of 1 amino acid (p.Gln1396del), but otherwise preserves the integrity of the reading frame (PMID: 24569164). These studies suggest that the clinical significance of this splice variant may be uncertain. In summary, the available evidence is currently insufficient to determine the role of this variant in disease. Therefore, it has been classified as a Variant of Uncertain Significance. This variant has not been reported in the literature in individuals with BRCA1-related disease. ClinVar contains an entry for this variant (Variation ID: 55134). This variant is not present in population databases (ExAC no frequency). This sequence change affects an acceptor splice site in intron 11 of the BRCA1 gene. It is expected to disrupt RNA splicing and likely results in an absent or disrupted protein product.

ClinVar Staff, National Center for Biotechnology Information (NCBI)
No classification provided. Condition: Familial cancer of breast. Review status: no classification provided. Collection method: literature only. Allele origin: germline. Affected: yes. Not counted in ClinVar's aggregate classification.

Literature cited by the submitters: PubMed 16199547 (cited by Labcorp Genetics (formerly Invitae), Labcorp); PubMed 20104584 (cited by Labcorp Genetics (formerly Invitae), Labcorp); PubMed 24569164 (cited by Labcorp Genetics (formerly Invitae), Labcorp); PubMed 7493024 (cited by ClinVar Staff, National Center for Biotechnology Information (NCBI)).